The following is an entry in ClinVar:

NM_025152.3(NUBPL):c.186G>T (p.Pro62=)

Gene: NUBPL (NUBP iron-sulfur cluster assembly factor, mitochondrial; plus strand). Cytogenetic location: 14q12.
Variant type: single nucleotide variant.
Coding change: c.186G>T on transcript NM_025152.3 (MANE Select); coding-DNA position 186, G replaced by T.
Protein change: p.Pro62=; no amino-acid change (proline 62 retained).
Molecular consequence: synonymous variant. On other transcripts: non-coding transcript variant (1).
Genome position (GRCh38, 1-based): chr14:31,562,145, G>T. VCF-style: chr14-31562145-G-T. GRCh37 (hg19) VCF-style: chr14-32031351-G-T.
Identifiers: ClinVar variation 681127 (VCV000681127.4), dbSNP rs1595277445, ClinGen allele CA485991841.

ClinVar aggregate classification (germline): Likely benign. Review status: criteria provided, multiple submitters, no conflicts (2 of 4 stars). 2 submissions from 2 submitters: Likely benign (2). Last evaluated 2024-10-28.

gnomAD v4.1: 9 of 1,613,990 alleles (0.00056%); highest among the groups gnomAD compares: Non-Finnish European, 0.00076%; no homozygotes.

Submissions (2):

Labcorp Genetics (formerly Invitae), Labcorp
Classification: Likely benign. Last evaluated: 2024-10-28. Review status: criteria provided, single submitter. Criteria: Invitae Variant Classification Sherloc (09022015). Collection method: clinical testing. Allele origin: germline.

GeneDx
Classification: Likely benign. Last evaluated: 2018-03-30. Review status: criteria provided, single submitter. Criteria: GeneDx Variant Classification (06012015). Collection method: clinical testing. Allele origin: germline. Affected: yes.
Comment: This variant is considered likely benign or benign based on one or more of the following criteria: it is a conservative change, it occurs at a poorly conserved position in the protein, it is predicted to be benign by multiple in silico algorithms, and/or has population frequency not consistent with disease.